The following is an entry in ClinVar:

ClinVar aggregate classification (germline): Likely pathogenic (1 of 4 stars; one submission).

Conditions:
Renal cysts and diabetes syndrome (RCAD). Also called: Familial hypoplastic, glomerulocystic kidney; MATURITY-ONSET DIABETES OF THE YOUNG, TYPE 5. Identifiers: Orphanet 93111, MedGen C0431693, MONDO:0007669, OMIM 137920.

Submission:

MVZ Medizinische Genetik Mainz
Classification: Likely pathogenic for Renal cysts and diabetes syndrome. Last evaluated: 2023-07-21. Review status: criteria provided, single submitter. Criteria: UK Practice Guidelines For Variant Classification V4 01 2020. Collection method: clinical testing. Allele origin: germline. Inheritance: Autosomal dominant inheritance. Affected: yes. Observed: 1 variant allele.
Comment: ACMG Criteria: PP3_STR,PM2_SUP,PM5_SUP

NM_000458.4(HNF1B):c.895T>C (p.Trp299Arg)

Gene: HNF1B (HNF1 homeobox B; minus strand). Cytogenetic location: 17q12.
Variant type: single nucleotide variant.
Coding change: c.895T>C on transcript NM_000458.4 (MANE Select); coding-DNA position 895, T replaced by C.
Protein change: p.Trp299Arg; replaces tryptophan 299 with arginine.
Molecular consequence: missense variant.
Genome position (GRCh38, 1-based): chr17:37,731,745, A>G on the plus strand (T>C on the coding strand, the complement: HNF1B is on the minus strand). VCF-style: chr17-37731745-A-G. GRCh37 (hg19) VCF-style: chr17-36091736-A-G.
Other names: c.817T>C, p.Trp273Arg (NM_001165923.4, NM_001304286.2); c.895T>C, p.Trp299Arg (NM_001411100.1); short protein forms W273R, W299R.
Identifiers: ClinVar variation 3066322 (VCV003066322.1), dbSNP rs2511801622, ClinGen allele CA398746815.